The following is an entry in ClinVar:

ClinVar aggregate classification (germline): Pathogenic. Review status: criteria provided, multiple submitters, no conflicts (2 of 4 stars). 2 submissions from 2 submitters: Pathogenic (2). Last evaluated 2025-11-04.

Conditions:
Hereditary cancer-predisposing syndrome. Also called: Tumor predisposition; Hereditary neoplastic syndrome; Neoplastic Syndromes, Hereditary; Hereditary Cancer Syndrome. Identifiers: Orphanet 140162, MedGen C0027672, MeSH D009386, MONDO:0015356.
Familial cancer of breast. Also called: Hereditary breast cancer; BREAST CANCER, FAMILIAL; hereditary breast carcinoma. Identifiers: Orphanet 227535, MedGen C0346153, MONDO:0016419, OMIM 114480. Disease mechanism: loss of function.

Submissions (2):

Ambry Genetics
Classification: Pathogenic for Hereditary cancer-predisposing syndrome. Last evaluated: 2025-11-04. Review status: criteria provided, single submitter. Criteria: Ambry Variant Classification Scheme 2023. Collection method: clinical testing. Allele origin: germline.
Comment: The c.984_986delTCTinsC pathogenic mutation, located in coding exon 4 of the PALB2 gene, results from the deletion of 3 nucleotides and insertion of one nucleotide causing a translational frameshift with a predicted alternate stop codon (p.L329Kfs*2). This variant is considered to be rare based on population cohorts in the Genome Aggregation Database (gnomAD). This alteration is expected to result in loss of function by premature protein truncation or nonsense-mediated mRNA decay. As such, this alteration is interpreted as a disease-causing mutation.

Myriad Genetics, Inc.
Classification: Pathogenic for Familial cancer of breast. Last evaluated: 2023-09-07. Review status: criteria provided, single submitter. Criteria: Myriad Autosomal Dominant, Autosomal Recessive and X-Linked Classification Criteria (2023). Collection method: clinical testing. Allele origin: unknown.
Comment: This variant is considered pathogenic. This variant creates a frameshift predicted to result in premature protein truncation.

NM_024675.4(PALB2):c.984_986delinsC (p.Leu329fs)

Gene: PALB2 (partner and localizer of BRCA2; minus strand). Cytogenetic location: 16p12.2.
Variant type: Indel.
Coding change: c.984_986delinsC on transcript NM_024675.4 (MANE Select); coding-DNA positions 984 to 986, TCT replaced by C.
Protein change: p.Leu329fs; shifts the reading frame from leucine 329.
Molecular consequence: frameshift variant. On other transcripts: intron variant (3).
Genome position (GRCh38, 1-based): chr16:23,635,560-23,635,562, AGA replaced by G on the plus strand (TCT replaced by C on the coding strand, the reverse complement: PALB2 is on the minus strand). VCF-style: chr16-23635560-AGA-G. GRCh37 (hg19) VCF-style: chr16-23646881-AGA-G.
Other names: c.924_926delinsC, p.Leu309fs (NM_001407296.1); c.984_986delinsC, p.Leu329fs (NM_001407297.1, NM_001407298.1, NM_001407299.1 and 3 more transcripts); c.99_101delinsC, p.Leu34fs (NM_001407304.1, NM_001407305.1, NM_001407306.1 and 5 more transcripts); c.48+5548_48+5550delinsC (NM_001407314.1); c.-104-5093_-104-5091delinsC (NM_001407313.1, NM_001407312.1); short protein forms L309fs, L329fs, L34fs.
Identifiers: ClinVar variation 2674105 (VCV002674105.2), dbSNP rs2506493372, ClinGen allele CA2695197519.